The following is an entry in ClinVar:

NM_001111.5(ADAR):c.57C>T (p.Gly19=)

Gene: ADAR (adenosine deaminase RNA specific; minus strand). Cytogenetic location: 1q21.3.
Variant type: single nucleotide variant.
Coding change: c.57C>T on transcript NM_001111.5 (MANE Select); coding-DNA position 57, C replaced by T.
Protein change: p.Gly19=; no amino-acid change (glycine 19 retained).
Molecular consequence: synonymous variant. On other transcripts: 5 prime UTR variant (6).
Genome position (GRCh38, 1-based): chr1:154,602,585, G>A on the plus strand (C>T on the coding strand, the complement: ADAR is on the minus strand). VCF-style: chr1-154602585-G-A. GRCh37 (hg19) VCF-style: chr1-154575061-G-A.
Other names: c.-829C>T (NM_001025107.3, NM_001193495.2, NM_001365048.1); c.84C>T, p.Gly28= (NM_001365045.1); c.-693C>T (NM_001365046.1, NM_001365047.1, NM_001365049.1); c.57C>T, p.Gly19= (NM_015840.4, NM_015841.4).
Identifiers: ClinVar variation 876463 (VCV000876463.38), dbSNP rs137983302, ClinGen allele CA1131770.

ClinVar aggregate classification (germline): Benign/Likely benign. Review status: criteria provided, multiple submitters, no conflicts (2 of 4 stars). 5 submissions from 5 submitters: Benign (1); Likely benign (4). Last evaluated 2026-01-04.

Conditions:
Symmetrical dyschromatosis of extremities (DSH). Also called: DYSCHROMATOSIS SYMMETRICA HEREDITARIA 1; RETICULATE ACROPIGMENTATION OF DOHI; SYMMETRIC DYSCHROMATOSIS OF THE EXTREMITIES; Dyschromatosis symmetrica hereditaria. Identifiers: Orphanet 41, MedGen C0406775, MONDO:0007483, OMIM 127400.
Aicardi-Goutieres syndrome 6 (AGS6). Identifiers: Orphanet 51, MedGen C3539013, MONDO:0014007, OMIM 615010.

Allele frequency attached by ClinVar (database versions not stated): gnomAD 0.00006; gnomAD exomes 0.00007 and 0.00012; ESP Exome Variant Server 0.00008; TOPMed 0.00009; ExAC 0.00010; 1000 Genomes Project 30x 0.00016; 1000 Genomes Project 0.00020.
gnomAD v4.1: 126 of 1,614,172 alleles (0.0078%); highest among the groups gnomAD compares: East Asian, 0.022%; 1 homozygote.

Submissions (5):

Labcorp Genetics (formerly Invitae), Labcorp
Classification: Likely benign for Aicardi-Goutieres syndrome 6; Symmetrical dyschromatosis of extremities. Last evaluated: 2026-01-04. Review status: criteria provided, single submitter. Criteria: Invitae Variant Classification Sherloc (09022015). Collection method: clinical testing. Allele origin: germline.

Blueprint Genetics
Classification: Likely benign. Last evaluated: 2024-04-18. Review status: criteria provided, single submitter. Criteria: ACMG Guidelines, 2015. Collection method: clinical testing. Allele origin: germline.

CeGaT Center for Human Genetics Tuebingen
Classification: Likely benign. Last evaluated: 2024-02-01. Review status: criteria provided, single submitter. Criteria: CeGaT Center For Human Genetics Tuebingen Variant Classification Criteria Version 2. Collection method: clinical testing. Allele origin: germline. Affected: yes. Observed: 2 variant alleles.
Comment: ADAR: BP4, BP7

Genome-Nilou Lab
Classification: Likely benign for Aicardi-Goutieres syndrome 6. Last evaluated: 2023-04-11. Review status: criteria provided, single submitter. Criteria: ACMG Guidelines, 2015. Collection method: clinical testing. Allele origin: germline. Affected: no.

Illumina Laboratory Services, Illumina
Classification: Benign for Symmetrical dyschromatosis of extremities. Last evaluated: 2018-01-13. Review status: criteria provided, single submitter. Criteria: ICSL Variant Classification Criteria 13 December 2019. Collection method: clinical testing. Allele origin: germline.
Comment: This variant was observed in the ICSL laboratory as part of a predisposition screen in an ostensibly healthy population. It had not been previously curated by ICSL or reported in the Human Gene Mutation Database (HGMD: prior to June 1st, 2018), and was therefore a candidate for classification through an automated scoring system. Utilizing variant allele frequency, disease prevalence and penetrance estimates, and inheritance mode, an automated score was calculated to assess if this variant is too frequent to cause the disease. Based on the score and internal cut-off values, a variant classified as benign is not then subjected to further curation. The score for this variant resulted in a classification of benign for this disease.